The following is an entry in ClinVar:

ClinVar aggregate classification (germline): Likely benign (0 of 4 stars; one submission).

Conditions:
REV3L-related disorder. Also called: REV3L-related condition.

Allele frequency attached by ClinVar (database versions not stated): TOPMed 0.00009; gnomAD 0.00064; gnomAD exomes 0.00084; ExAC 0.00203; 1000 Genomes Project 30x 0.00500; 1000 Genomes Project 0.00559.
gnomAD v4.1: 1,342 of 1,613,776 alleles (0.083%); highest among the groups gnomAD compares: South Asian, 1.4%; 21 homozygotes.

Submission:

PreventionGenetics, part of Exact Sciences
Classification: Likely benign for REV3L-related condition. Last evaluated: 2021-12-27. Review status: no assertion criteria provided. Collection method: clinical testing. Allele origin: germline.
Comment: This variant is classified as likely benign based on ACMG/AMP sequence variant interpretation guidelines (Richards et al. 2015 PMID: 25741868, with internal and published modifications).

NM_001372078.1(REV3L):c.2087A>T (p.His696Leu)

Gene: REV3L (REV3 like, DNA directed polymerase zeta catalytic subunit; minus strand). Cytogenetic location: 6q21.
Variant type: single nucleotide variant.
Coding change: c.2087A>T on transcript NM_001372078.1 (MANE Select); coding-DNA position 2087, A replaced by T.
Protein change: p.His696Leu; replaces histidine 696 with leucine.
Molecular consequence: missense variant.
Genome position (GRCh38, 1-based): chr6:111,376,268, T>A on the plus strand (A>T on the coding strand, the complement: REV3L is on the minus strand). VCF-style: chr6-111376268-T-A. GRCh37 (hg19) VCF-style: chr6-111697471-T-A.
Other names: c.1853A>T, p.His618Leu (NM_001286431.2, NM_001286432.2); c.2087A>T, p.His696Leu (NM_002912.5); short protein forms H618L, H696L.
Identifiers: ClinVar variation 3058645 (VCV003058645.2), dbSNP rs201233180, ClinGen allele CA3962405.